The following is an entry in ClinVar:

NM_001197104.2(KMT2A):c.11801T>C (p.Met3934Thr)

Genes: KMT2A (lysine methyltransferase 2A; plus strand), TTC36-AS1 (TTC36 and KMT2A antisense RNA 1; minus strand). Cytogenetic location: 11q23.3.
Variant type: single nucleotide variant.
Coding change: c.11801T>C on transcript NM_001197104.2 (MANE Select); coding-DNA position 11801, T replaced by C.
Protein change: p.Met3934Thr; replaces methionine 3934 with threonine.
Molecular consequence: missense variant.
Genome position (GRCh38, 1-based): chr11:118,522,054, T>C. VCF-style: chr11-118522054-T-C. GRCh37 (hg19) VCF-style: chr11-118392769-T-C.
Other names: c.11891T>C, p.Met3964Thr (NM_001412597.1); c.11792T>C, p.Met3931Thr (NM_005933.4); short protein forms M3934T, M3931T, M3964T.
Identifiers: ClinVar variation 2129973 (VCV002129973.4), dbSNP rs782378727, ClinGen allele CA6305026.

ClinVar aggregate classification (germline): Uncertain significance (1 of 4 stars; one submission).

Allele frequency attached by ClinVar (database versions not stated): gnomAD exomes below 0.00001; ExAC 0.00002.
gnomAD v4.1: 4 of 1,614,236 alleles (0.00025%); highest among the groups gnomAD compares: East Asian, 0.0022%; no homozygotes.

Submission:

Labcorp Genetics (formerly Invitae), Labcorp
Classification: Uncertain significance. Last evaluated: 2023-01-27. Review status: criteria provided, single submitter. Criteria: Invitae Variant Classification Sherloc (09022015). Collection method: clinical testing. Allele origin: germline.
Comment: In summary, the available evidence is currently insufficient to determine the role of this variant in disease. Therefore, it has been classified as a Variant of Uncertain Significance. Advanced modeling of protein sequence and biophysical properties (such as structural, functional, and spatial information, amino acid conservation, physicochemical variation, residue mobility, and thermodynamic stability) performed at Invitae indicates that this missense variant is not expected to disrupt KMT2A protein function. This variant has not been reported in the literature in individuals affected with KMT2A-related conditions. This variant is present in population databases (rs782378727, gnomAD 0.006%). This sequence change replaces methionine, which is neutral and non-polar, with threonine, which is neutral and polar, at codon 3934 of the KMT2A protein (p.Met3934Thr).